The following is an entry in ClinVar:

ClinVar aggregate classification (germline): Likely benign (1 of 4 stars; one submission).

gnomAD v4.1: 39 of 1,595,398 alleles (0.0024%); highest among the groups gnomAD compares: African/African-American, 0.0094%; no homozygotes.

Submission:

CeGaT Center for Human Genetics Tuebingen
Classification: Likely benign. Last evaluated: 2025-05-01. Review status: criteria provided, single submitter. Criteria: CeGaT Center For Human Genetics Tuebingen Variant Classification Criteria Version 2. Collection method: clinical testing. Allele origin: germline. Affected: yes. Observed: 1 variant allele.
Comment: RALGAPA1: BP4, BP7

NM_001346249.2(RALGAPA1):c.4077G>A (p.Ser1359=)

Gene: RALGAPA1 (Ral GTPase activating protein catalytic subunit alpha 1; minus strand). Cytogenetic location: 14q13.2.
Variant type: single nucleotide variant.
Coding change: c.4077G>A on transcript NM_001346249.2 (MANE Select); coding-DNA position 4077, G replaced by A.
Protein change: p.Ser1359=; no amino-acid change (serine 1359 retained).
Molecular consequence: synonymous variant.
Genome position (GRCh38, 1-based): chr14:35,686,542, C>T on the plus strand (G>A on the coding strand, the complement: RALGAPA1 is on the minus strand). VCF-style: chr14-35686542-C-T. GRCh37 (hg19) VCF-style: chr14-36155748-C-T.
Other names: c.2598G>A, p.Ser866= (NM_001283043.3); c.2700G>A, p.Ser900= (NM_001283044.3, NM_001346245.2, NM_001346247.2); c.3936G>A, p.Ser1312= (NM_001330075.3, NM_001346248.2); c.2559G>A, p.Ser853= (NM_001346243.2, NM_001346246.2, NM_014990.3 and 1 more transcripts).
Identifiers: ClinVar variation 3905288 (VCV003905288.10).
Genomic context (GRCh38, chr14:35,686,542, plus strand): 5'-ATATATCTGTTAGTTTTTCTACCCTCCTCTATAAAACCAAATATATAAAATAAAACTTAC[C>T]GAGGCATTACCACTTCGAAGTCGTTCTGCTATAAACTCATCCATCAGATCAGGAACATTA-3'
Protein context (NP_001333178.1, residues 1349-1369): IAERLRSGNA[Ser1359=]TMTRRGSSPG